The following is an entry in ClinVar:

NM_000492.4(CFTR):c.2353C>G (p.Arg785Gly)

Gene: CFTR (CF transmembrane conductance regulator; plus strand). Cytogenetic location: 7q31.2.
Variant type: single nucleotide variant.
Coding change: c.2353C>G on transcript NM_000492.4 (MANE Select); coding-DNA position 2353, C replaced by G.
Protein change: p.Arg785Gly; replaces arginine 785 with glycine.
Molecular consequence: missense variant.
Genome position (GRCh38, 1-based): chr7:117,592,520, C>G. VCF-style: chr7-117592520-C-G. GRCh37 (hg19) VCF-style: chr7-117232574-C-G.
Other names: short protein forms R785G.
Identifiers: ClinVar variation 1790046 (VCV001790046.2), dbSNP rs374946172, ClinGen allele CA368981041.

ClinVar aggregate classification (germline): Uncertain significance (1 of 4 stars; one submission).

Conditions:
Cystic fibrosis (CF). Also called: MUCOVISCIDOSIS. Identifiers: Orphanet 586, MedGen C0010674, MONDO:0009061, OMIM 219700. Disease mechanism: loss of function.

Submission:

Ambry Genetics
Classification: Uncertain significance for Cystic fibrosis. Last evaluated: 2022-10-11. Review status: criteria provided, single submitter. Criteria: Ambry Variant Classification Scheme 2023. Collection method: clinical testing. Allele origin: germline.
Comment: The p.R785G variant (also known as c.2353C>G), located in coding exon 14 of the CFTR gene, results from a C to G substitution at nucleotide position 2353. The arginine at codon 785 is replaced by glycine, an amino acid with dissimilar properties. This amino acid position is conserved. In addition, the in silico prediction for this alteration is inconclusive. Since supporting evidence is limited at this time, the clinical significance of this alteration remains unclear.